The following is an entry in ClinVar:

NM_000400.4(ERCC2):c.949+3G>A

Gene: ERCC2 (ERCC excision repair 2, TFIIH core complex helicase subunit; minus strand). Cytogenetic location: 19q13.32.
Variant type: single nucleotide variant.
Coding change: c.949+3G>A on transcript NM_000400.4 (MANE Select); 3 bases into the intron after coding-DNA position 949, G replaced by A.
Molecular consequence: intron variant.
Genome position (GRCh38, 1-based): chr19:45,363,983, C>T on the plus strand (G>A on the coding strand, the complement: ERCC2 is on the minus strand). VCF-style: chr19-45363983-C-T. GRCh37 (hg19) VCF-style: chr19-45867241-C-T.
Other names: c.826+3G>A (NM_001440357.1); c.871+3G>A (NM_001440356.1); c.877+3G>A (NM_001440355.1, NM_001130867.2).
Identifiers: ClinVar variation 4688888 (VCV004688888.1).
Genomic context (GRCh38, chr19:45,363,983, plus strand): 5'-CGCTATCAGCGGCGACGGGGAGGCGGGAAAGGGACTGGGGGGCAGCGGGGGGTCGGGGCT[C>T]ACCCTGCAGCACTTCGTCGGGCAGCACGGGGTTGGCCAGGTGGGCGTCCGTCTCCCGGGC-3'

ClinVar aggregate classification (germline): Uncertain significance (1 of 4 stars; one submission).

gnomAD v4.1: 4 of 1,539,616 alleles (0.00026%); highest among the groups gnomAD compares: Non-Finnish European, 0.00035%; no homozygotes.

Submission:

Women's Health and Genetics/Laboratory Corporation of America, LabCorp
Classification: Uncertain significance. Last evaluated: 2025-12-23. Review status: criteria provided, single submitter. Criteria: LabCorp Variant Classification Summary - May 2015. Collection method: clinical testing. Allele origin: germline.
Comment: Variant summary: ERCC2 c.949+3G>A alters a conserved nucleotide located close to a canonical splice site and therefore could affect mRNA splicing, leading to a significantly altered protein sequence. Consensus agreement among computation tools predict no significant impact on normal splicing. However, these predictions have yet to be confirmed by functional studies. The variant was absent in 137232 control chromosomes. The available data on variant occurrences in the general population are insufficient to allow any conclusion about variant significance. To our knowledge, no occurrence of c.949+3G>A in individuals affected with ERCC2-related conditions and no experimental evidence demonstrating its impact on protein function have been reported. No submitters have cited clinical-significance assessments for this variant to ClinVar. Based on the evidence outlined above, the variant was classified as uncertain significance.